The following is an entry in ClinVar:

ClinVar aggregate classification (germline): Uncertain significance (1 of 4 stars; one submission).

Conditions:
Hereditary cancer-predisposing syndrome. Also called: Neoplastic Syndromes, Hereditary; Hereditary Cancer Syndrome; Tumor predisposition; Hereditary neoplastic syndrome. Identifiers: Orphanet 140162, MedGen C0027672, MeSH D009386, MONDO:0015356.

Allele frequency attached by ClinVar (database versions not stated): gnomAD exomes below 0.00001.
gnomAD v4.1: 4 of 1,613,902 alleles (0.00025%); highest among the groups gnomAD compares: Non-Finnish European, 0.00034%; no homozygotes.

Submission:

Ambry Genetics
Classification: Uncertain significance for Hereditary cancer-predisposing syndrome. Last evaluated: 2022-10-31. Review status: criteria provided, single submitter. Criteria: Ambry Variant Classification Scheme 2023. Collection method: clinical testing. Allele origin: germline.
Comment: The p.Y2833C variant (also known as c.8498A>G), located in coding exon 57 of the ATM gene, results from an A to G substitution at nucleotide position 8498. The tyrosine at codon 2833 is replaced by cysteine, an amino acid with highly dissimilar properties. This amino acid position is well conserved in available vertebrate species. In addition, the in silico prediction for this alteration is inconclusive. Since supporting evidence is limited at this time, the clinical significance of this alteration remains unclear.

NM_000051.4(ATM):c.8498A>G (p.Tyr2833Cys)

Genes: ATM (ATM serine/threonine kinase; plus strand), C11orf65 (chromosome 11 open reading frame 65; minus strand). Cytogenetic location: 11q22.3.
Variant type: single nucleotide variant.
Coding change: c.8498A>G on transcript NM_000051.4 (MANE Select); coding-DNA position 8498, A replaced by G.
Protein change: p.Tyr2833Cys; replaces tyrosine 2833 with cysteine.
Molecular consequence: missense variant. On other transcripts: intron variant (2).
Genome position (GRCh38, 1-based): chr11:108,345,822, A>G. VCF-style: chr11-108345822-A-G. GRCh37 (hg19) VCF-style: chr11-108216549-A-G.
Other names: c.8498A>G, p.Tyr2833Cys (NM_001351834.2); c.641-36751T>C (NM_001330368.2); c.695-10530T>C (NM_001351110.2); short protein forms Y2833C.
Identifiers: ClinVar variation 479070 (VCV000479070.8), dbSNP rs1555138162, ClinGen allele CA382518117.